The following is an entry in ClinVar:

ClinVar aggregate classification (germline): Uncertain significance. Review status: criteria provided, multiple submitters, no conflicts (2 of 4 stars). 2 submissions from 2 submitters: Uncertain significance (2). Last evaluated 2025-02-20.

Conditions:
Inborn genetic diseases. Identifiers: MedGen C0950123, MeSH D030342.

Submissions (2):

Ambry Genetics
Classification: Uncertain significance for Inborn genetic diseases. Last evaluated: 2025-02-20. Review status: criteria provided, single submitter. Criteria: Ambry Variant Classification Scheme 2023. Collection method: clinical testing. Allele origin: germline.

Labcorp Genetics (formerly Invitae), Labcorp
Classification: Uncertain significance. Last evaluated: 2023-04-03. Review status: criteria provided, single submitter. Criteria: Invitae Variant Classification Sherloc (09022015). Collection method: clinical testing. Allele origin: germline.
Comment: This sequence change replaces tyrosine, which is neutral and polar, with histidine, which is basic and polar, at codon 324 of the FBLN5 protein (p.Tyr324His). This variant is not present in population databases (gnomAD no frequency). This variant has not been reported in the literature in individuals affected with FBLN5-related conditions. Advanced modeling of protein sequence and biophysical properties (such as structural, functional, and spatial information, amino acid conservation, physicochemical variation, residue mobility, and thermodynamic stability) performed at Invitae indicates that this missense variant is expected to disrupt FBLN5 protein function. In summary, the available evidence is currently insufficient to determine the role of this variant in disease. Therefore, it has been classified as a Variant of Uncertain Significance.

NM_006329.4(FBLN5):c.970T>C (p.Tyr324His)

Gene: FBLN5 (fibulin 5; minus strand). Cytogenetic location: 14q32.12.
Variant type: single nucleotide variant.
Coding change: c.970T>C on transcript NM_006329.4 (MANE Select); coding-DNA position 970, T replaced by C.
Protein change: p.Tyr324His; replaces tyrosine 324 with histidine.
Molecular consequence: missense variant.
Genome position (GRCh38, 1-based): chr14:91,881,311, A>G on the plus strand (T>C on the coding strand, the complement: FBLN5 is on the minus strand). VCF-style: chr14-91881311-A-G. GRCh37 (hg19) VCF-style: chr14-92347655-A-G.
Other names: c.970T>C, p.Tyr324His (NM_001384160.1); c.802T>C, p.Tyr268His (NM_001384161.1, NM_001384162.1); c.1093T>C, p.Tyr365His (NM_001384158.1); c.1021T>C, p.Tyr341His (NM_001384159.1); short protein forms Y365H, Y268H, Y324H, Y341H.
Identifiers: ClinVar variation 2868888 (VCV002868888.4), dbSNP rs2542764956, ClinGen allele CA390641832.